The following is an entry in ClinVar:

NM_000313.4(PROS1):c.1294C>G (p.Arg432Gly)

Gene: PROS1 (protein S; minus strand). Cytogenetic location: 3q11.1.
Variant type: single nucleotide variant.
Coding change: c.1294C>G on transcript NM_000313.4 (MANE Select); coding-DNA position 1294, C replaced by G.
Protein change: p.Arg432Gly; replaces arginine 432 with glycine.
Molecular consequence: missense variant.
Genome position (GRCh38, 1-based): chr3:93,886,365, G>C on the plus strand (C>G on the coding strand, the complement: PROS1 is on the minus strand). VCF-style: chr3-93886365-G-C. GRCh37 (hg19) VCF-style: chr3-93605209-G-C.
Other names: c.1390C>G, p.Arg464Gly (NM_001314077.2); short protein forms R432G, R464G.
Identifiers: ClinVar variation 3000386 (VCV003000386.3), dbSNP rs370129669, ClinGen allele CA353669368.
Genomic context (GRCh38, chr3:93,886,365, plus strand): 5'-CATGATGAATGATACAAGCTTGGATCATTACCGGTTTAATGAGTTCACTTTCCACTTTCC[G>C]AGGGAATCCTGCAAAGTATACTTTGGTTTCCAGCAATCCATTTTCCGGCTTAAAAAGGGG-3'
Protein context (NP_000304.2, residues 422-442): ETKVYFAGFP[Arg432Gly]KVESELIKPI

ClinVar aggregate classification (germline): Uncertain significance (1 of 4 stars; one submission).

Conditions:
Thrombophilia due to protein S deficiency, autosomal recessive (THPH6). Identifiers: Orphanet 743, MedGen C3281092, MONDO:0013791, OMIM 614514. Disease mechanism: loss of function.

Submission:

Labcorp Genetics (formerly Invitae), Labcorp
Classification: Uncertain significance for Thrombophilia due to protein S deficiency, autosomal recessive. Last evaluated: 2023-11-12. Review status: criteria provided, single submitter. Criteria: Invitae Variant Classification Sherloc (09022015). Collection method: clinical testing. Allele origin: germline.
Comment: This sequence change replaces arginine, which is basic and polar, with glycine, which is neutral and non-polar, at codon 432 of the PROS1 protein (p.Arg432Gly). This variant is not present in population databases (gnomAD no frequency). This variant has not been reported in the literature in individuals affected with PROS1-related conditions. Advanced modeling of protein sequence and biophysical properties (such as structural, functional, and spatial information, amino acid conservation, physicochemical variation, residue mobility, and thermodynamic stability) performed at Invitae indicates that this missense variant is not expected to disrupt PROS1 protein function with a negative predictive value of 80%. In summary, the available evidence is currently insufficient to determine the role of this variant in disease. Therefore, it has been classified as a Variant of Uncertain Significance.